The following is an entry in ClinVar:

ClinVar aggregate classification (germline): Pathogenic (1 of 4 stars; one submission).

Conditions:
Severe myoclonic epilepsy in infancy (DRVT). Also called: Epileptic encephalopathy, early infantile, 6 (Dravet syndrome); SEVERE MYOCLONIC EPILEPSY OF INFANCY; DEVELOPMENTAL AND EPILEPTIC ENCEPHALOPATHY 6A; Severe Myoclonic Epilepsy in Infancy (SMEI); Dravet syndrome. Identifiers: Orphanet 33069, MedGen C0751122, MONDO:0100135, OMIM 607208.

Submission:

Center for Bioinformatics, Peking University
Classification: Pathogenic for Dravet syndrome. Last evaluated: 2014-12-20. Review status: criteria provided, single submitter. Criteria: Xu et al. (Hum Mutat. 2015). Collection method: research. Allele origin: de novo. Affected: yes. Observed: 1 variant allele. Study: University Clinical Cooperation “985 Project” PKU-2014-1-1.
Comment: Dravet syndrome (DS) probands were recruited from the outpatient and inpatient child neurology units of Peking University First Hospital from 2005 till present. The study was approved by the Ethics Committee of Peking University First Hospital and the Institutional Review Board at Peking University. Participants or their parents provided written informed consent before enrollment. We collected a total of 267 mutations from 255 families with probands diagnosed with DS in China. All probands fulfilled the clinical diagnostic criteria.

NM_001165963.4(SCN1A):c.4829_4830dup (p.Val1611fs)

Genes: SCN1A (sodium voltage-gated channel alpha subunit 1; minus strand), LOC102724058 (uncharacterized LOC102724058; plus strand). Cytogenetic location: 2q24.3.
Variant type: Microsatellite.
Coding change: c.4829_4830dup on transcript NM_001165963.4 (MANE Select); coding-DNA positions 4829 to 4830, 2 bases duplicated (TG; older notation c.4829_4830dupTG).
Protein change: p.Val1611fs; shifts the reading frame from valine 1611.
Molecular consequence: frameshift variant. On other transcripts: non-coding transcript variant (1).
Genome position (GRCh38, 1-based): chr2:165,994,168-165,994,169, CA duplicated on the plus strand (TG on the coding strand, the reverse complement: SCN1A is on the minus strand); duplicating any 2 consecutive bases within chr2:165,994,168-165,994,171 gives the same sequence; the c. name uses the placement nearest the transcript's 3' end. VCF-style (leftmost placement, unchanged base first): chr2-165994167-C-CCA. GRCh37 (hg19) VCF-style: chr2-166850677-C-CCA.
Other names: c.4745_4746dup, p.Val1583fs (NM_001165964.3, NM_001353957.2, NM_001353958.2); c.4829_4830dup, p.Val1611fs (NM_001202435.3, NM_001353948.2); c.4796_4797dup, p.Val1600fs (NM_001353949.2, NM_001353950.2, NM_001353951.2 and 2 more transcripts); c.4793_4794dup, p.Val1599fs (NM_001353954.2, NM_001353955.2); c.4742_4743dup, p.Val1582fs (NM_001353960.2); c.2387_2388dup, p.Val797fs (NM_001353961.2); short protein forms V1582fs, V1599fs, V1611fs, V1583fs, V1600fs, V797fs.
Identifiers: ClinVar variation 190025 (VCV000190025.1), dbSNP rs794726850, ClinGen allele CA303589.